The following is an entry in ClinVar:

NM_001184.4(ATR):c.3041T>C (p.Ile1014Thr)

Gene: ATR (ATR checkpoint kinase; minus strand). Cytogenetic location: 3q23.
Variant type: single nucleotide variant.
Coding change: c.3041T>C on transcript NM_001184.4 (MANE Select); coding-DNA position 3041, T replaced by C.
Protein change: p.Ile1014Thr; replaces isoleucine 1014 with threonine.
Molecular consequence: missense variant.
Genome position (GRCh38, 1-based): chr3:142,549,609, A>G on the plus strand (T>C on the coding strand, the complement: ATR is on the minus strand). VCF-style: chr3-142549609-A-G. GRCh37 (hg19) VCF-style: chr3-142268451-A-G.
Other names: c.2849T>C, p.Ile950Thr (NM_001354579.2); short protein forms I1014T, I950T.
Identifiers: ClinVar variation 2496609 (VCV002496609.5), dbSNP rs2473364120, ClinGen allele CA354812474.

ClinVar aggregate classification (germline): Uncertain significance. Review status: criteria provided, multiple submitters, no conflicts (2 of 4 stars). 2 submissions from 2 submitters: Uncertain significance (2). Last evaluated 2022-11-20.

Conditions:
Inborn genetic diseases. Identifiers: MedGen C0950123, MeSH D030342.

Submissions (2):

Ambry Genetics
Classification: Uncertain significance for Inborn genetic diseases. Last evaluated: 2022-11-20. Review status: criteria provided, single submitter. Criteria: Ambry Variant Classification Scheme 2023. Collection method: clinical testing. Allele origin: germline.
Comment: The p.I1014T variant (also known as c.3041T>C), located in coding exon 15 of the ATR gene, results from a T to C substitution at nucleotide position 3041. The isoleucine at codon 1014 is replaced by threonine, an amino acid with similar properties. This amino acid position is conserved. In addition, this alteration is predicted to be deleterious by in silico analysis. Since supporting evidence is limited at this time, the clinical significance of this alteration remains unclear.

Labcorp Genetics (formerly Invitae), Labcorp
Classification: Uncertain significance. Last evaluated: 2022-10-29. Review status: criteria provided, single submitter. Criteria: Invitae Variant Classification Sherloc (09022015). Collection method: clinical testing. Allele origin: germline.
Comment: In summary, the available evidence is currently insufficient to determine the role of this variant in disease. Therefore, it has been classified as a Variant of Uncertain Significance. Algorithms developed to predict the effect of missense changes on protein structure and function are either unavailable or do not agree on the potential impact of this missense change (SIFT: "Deleterious"; PolyPhen-2: "Possibly Damaging"; Align-GVGD: "Class C15"). This variant has not been reported in the literature in individuals affected with ATR-related conditions. This variant is not present in population databases (gnomAD no frequency). This sequence change replaces isoleucine, which is neutral and non-polar, with threonine, which is neutral and polar, at codon 1014 of the ATR protein (p.Ile1014Thr).